The following is an entry in ClinVar:

ClinVar aggregate classification (germline): Uncertain significance. Review status: criteria provided, multiple submitters, no conflicts (2 of 4 stars). 3 submissions from 3 submitters: Uncertain significance (3). Last evaluated 2024-11-21.

Conditions:
Neurodevelopmental disorder. Identifiers: MedGen C1535926, MeSH D065886, MONDO:0700092.
Hereditary cancer-predisposing syndrome. Also called: Hereditary neoplastic syndrome; Neoplastic Syndromes, Hereditary; Tumor predisposition; Hereditary Cancer Syndrome. Identifiers: Orphanet 140162, MedGen C0027672, MeSH D009386, MONDO:0015356.
Rhabdoid tumor predisposition syndrome 2 (RTPS2). Identifiers: Orphanet 231108, Orphanet 69077, MedGen C2750074, MONDO:0013224, OMIM 613325.

Allele frequency attached by ClinVar (database versions not stated): gnomAD exomes below 0.00001.

Submissions (3):

Ambry Genetics
Classification: Uncertain significance for Hereditary cancer-predisposing syndrome. Last evaluated: 2024-11-21. Review status: criteria provided, single submitter. Criteria: Ambry Variant Classification Scheme 2023. Collection method: clinical testing. Allele origin: germline.
Comment: The p.M1? variant (also known as c.3G>A) is located in coding exon 1 of the SMARCA4 gene and results from a G to A substitution at nucleotide position 3. This alters the methionine residue at the initiation codon (ATG). Variations that modify the initiation codon (ATG) are expected to result in either loss of translation initiation, N-terminal truncation, or cause a shift in the mRNA reading frame; however, there is an in-frame methionine 26 amino acids from the initiation site, which may result in N-terminal truncation of unknown functional significance. Based on the available evidence, the clinical significance of this variant remains unclear.

Laboratory of Molecular Genetics (Pr. Bezieau's lab), CHU de Nantes
Classification: Uncertain significance for Neurodevelopmental disorder. Last evaluated: 2021-07-02. Review status: criteria provided, single submitter. Criteria: ACMG Guidelines, 2015. Collection method: clinical testing. Allele origin: germline. Affected: yes.

Labcorp Genetics (formerly Invitae), Labcorp
Classification: Uncertain significance for Rhabdoid tumor predisposition syndrome 2. Last evaluated: 2021-02-14. Review status: criteria provided, single submitter. Criteria: Invitae Variant Classification Sherloc (09022015). Collection method: clinical testing. Allele origin: germline.
Comment: This sequence change affects the initiator methionine of the SMARCA4 mRNA. The next in-frame methionine is located at codon 27. This variant is not present in population databases (ExAC no frequency). This variant has not been reported in the literature in individuals with SMARCA4-related conditions. Experimental studies and prediction algorithms are not available or were not evaluated, and the functional significance of this variant is currently unknown. In summary, the available evidence is currently insufficient to determine the role of this variant in disease. Therefore, it has been classified as a Variant of Uncertain Significance.

NM_003072.5(SMARCA4):c.3G>A (p.Met1Ile)

Gene: SMARCA4 (SWI/SNF related BAF chromatin remodeling complex subunit ATPase 4; plus strand). Cytogenetic location: 19p13.2.
Variant type: single nucleotide variant.
Coding change: c.3G>A on transcript NM_003072.5 (MANE Select); coding-DNA position 3, G replaced by A.
Protein change: p.Met1Ile; changes the start codon (methionine 1).
Molecular consequence: missense variant, initiator codon variant. On other transcripts: non-coding transcript variant (1).
Genome position (GRCh38, 1-based): chr19:10,984,154, G>A. VCF-style: chr19-10984154-G-A. GRCh37 (hg19) VCF-style: chr19-11094830-G-A.
Other names: c.3G>A, p.Met1Ile (NM_001128844.3, NM_001128845.2, NM_001128846.2 and 5 more transcripts); short protein forms M1I.
Identifiers: ClinVar variation 1321949 (VCV001321949.10), dbSNP rs2145720045, ClinGen allele CA404053838.
Genomic context (GRCh38, chr19:10,984,154, plus strand): 5'-CCCAGACTGACCAGGACTGTCTTCCAGCAGGAGGCCACTGTCTGCAGCTCCCGTGAAGAT[G>A]TCCACTCCAGACCCACCCCTGGGCGGAACTCCTCGGCCAGGTCCTTCCCCGGGCCCTGGC-3'
Protein context (NP_003063.2, residues 1-11): [Met1Ile]STPDPPLGGT